The following is an entry in ClinVar:

ClinVar aggregate classification (germline): Uncertain significance (1 of 4 stars; one submission).

Submission:

GeneDx
Classification: Uncertain significance. Last evaluated: 2025-07-02. Review status: criteria provided, single submitter. Criteria: GeneDx Variant Classification Process June 2021. Collection method: clinical testing. Allele origin: germline. Affected: yes.
Comment: Not observed at significant frequency in large population cohorts (gnomAD); In silico analysis supports that this missense variant has a deleterious effect on protein structure/function; Has not been previously published as pathogenic or benign to our knowledge

NM_004415.4(DSP):c.6394G>A (p.Gly2132Arg)

Gene: DSP (desmoplakin; plus strand). Cytogenetic location: 6p24.3.
Variant type: single nucleotide variant.
Coding change: c.6394G>A on transcript NM_004415.4 (MANE Select); coding-DNA position 6394, G replaced by A.
Protein change: p.Gly2132Arg; replaces glycine 2132 with arginine.
Molecular consequence: missense variant.
Genome position (GRCh38, 1-based): chr6:7,583,656, G>A. VCF-style: chr6-7583656-G-A. GRCh37 (hg19) VCF-style: chr6-7583889-G-A.
Other names: c.4597G>A, p.Gly1533Arg (NM_001008844.3); c.5065G>A, p.Gly1689Arg (NM_001319034.2); short protein forms G1533R, G1689R, G2132R.
Identifiers: ClinVar variation 4680968 (VCV004680968.1).